The following is an entry in ClinVar:

NM_000156.6(GAMT):c.39C>A (p.Gly13=)

Genes: GAMT (guanidinoacetate N-methyltransferase; minus strand), LOC130062945 (ATAC-STARR-seq lymphoblastoid silent region 9707; plus strand). Cytogenetic location: 19p13.3.
Variant type: single nucleotide variant.
Coding change: c.39C>A on transcript NM_000156.6 (MANE Select); coding-DNA position 39, C replaced by A.
Protein change: p.Gly13=; no amino-acid change (glycine 13 retained).
Molecular consequence: synonymous variant.
Genome position (GRCh38, 1-based): chr19:1,401,438, G>T on the plus strand (C>A on the coding strand, the complement: GAMT is on the minus strand). VCF-style: chr19-1401438-G-T. GRCh37 (hg19) VCF-style: chr19-1401437-G-T.
Other names: NM_000156.6(GAMT):c.39C>A; p.Gly13=; c.39C>A, p.Gly13= (NM_138924.3).
Identifiers: ClinVar variation 544263 (VCV000544263.14), dbSNP rs1262796024, ClinGen allele CA504731736.

ClinVar aggregate classification (germline): Likely benign. Review status: reviewed by expert panel (3 of 4 stars). 3 submissions from 3 submitters: Likely benign (1). 2 of the submissions do not count toward it. Last evaluated 2022-06-06.

Conditions:
Cerebral creatine deficiency syndrome. Also called: Creatine deficiency syndromes. Identifiers: Orphanet 79172, MedGen C5244016, MONDO:0000456.
Inborn genetic diseases. Identifiers: MedGen C0950123, MeSH D030342.
Deficiency of guanidinoacetate methyltransferase (CCDS2). Also called: GAMT DEFICIENCY; CEREBRAL CREATINE DEFICIENCY SYNDROME 2; Guanidinoacetate Methyltransferase (GAMT) Deficiency. Identifiers: Orphanet 382, MedGen C0574080, MONDO:0012999, OMIM 612736.

Allele frequency attached by ClinVar (database versions not stated): TOPMed 0.00002.

Submissions (3):

ClinGen Cerebral Creatine Deficiency Syndromes Variant Curation Expert Panel, ClinGen
Classification: Likely benign for Deficiency of guanidinoacetate methyltransferase. Last evaluated: 2022-06-06. Review status: reviewed by expert panel. Criteria: ClinGen_CCDS_ACMG_Specifications_GAMT_v1.1. Collection method: curation. Allele origin: germline. Inheritance: Autosomal recessive inheritance.
Comment: The NM_000156.6:c.39C>A (p.Gly13=) variant in GAMT is a synonymous variant in exon 1. It is absent in gnomAD v2.1.1 (PM2_Supporting); however, this region has low coverage and, therefore, the allele frequency data may not be accurate. It is predicted to not impact splicing by SpliceAI and VarSeak, and the nucleotide is not highly conserved (BP4, BP7). This variant does not appear to have been reported in the published literature. It is noted in ClinVar (Variation ID: 544263). Although this variant may be rare, it has been classified as likely benign by the ClinGen Creatine Deficiency Syndromes (CCDS) Variant Curation Expert Panel (VCEP) based on the recommendation of Richards et al (PMID: 25741868) because it is a synonymous variant, the altered nucleotide is not highly conserved, computational prediction suggests no impact on splicing, and there is no additional evidence to suggest that the variant is disease-causing. GAMT-specific ACMG/AMP criteria applied, as specified by the CCDS VCEP (Specifications Version 1.1.0): PM2_Supporting, BP4, BP7. (Classification approved by the ClinGen CCDS VCEP on June 6, 2022).

Labcorp Genetics (formerly Invitae), Labcorp
Classification: Likely benign for Cerebral creatine deficiency syndrome. Last evaluated: 2025-08-15. Review status: criteria provided, single submitter. Criteria: Invitae Variant Classification Sherloc (09022015). Collection method: clinical testing. Allele origin: germline. Not counted in ClinVar's aggregate classification.

Ambry Genetics
Classification: Likely benign for Inborn genetic diseases. Last evaluated: 2019-10-10. Review status: criteria provided, single submitter. Criteria: Ambry Variant Classification Scheme 2023. Collection method: clinical testing. Allele origin: germline. Not counted in ClinVar's aggregate classification.